The following is an entry in ClinVar:

NM_001197104.2(KMT2A):c.3180G>T (p.Glu1060Asp)

Gene: KMT2A (lysine methyltransferase 2A; plus strand). Cytogenetic location: 11q23.3.
Variant type: single nucleotide variant.
Coding change: c.3180G>T on transcript NM_001197104.2 (MANE Select); coding-DNA position 3180, G replaced by T.
Protein change: p.Glu1060Asp; replaces glutamic acid 1060 with aspartic acid.
Molecular consequence: missense variant.
Genome position (GRCh38, 1-based): chr11:118,476,828, G>T. VCF-style: chr11-118476828-G-T. GRCh37 (hg19) VCF-style: chr11-118347543-G-T.
Other names: c.3279G>T, p.Glu1093Asp (NM_001412597.1); c.3180G>T, p.Glu1060Asp (NM_005933.4); short protein forms E1060D, E1093D.
Identifiers: ClinVar variation 1929247 (VCV001929247.5), dbSNP rs782157422, ClinGen allele CA6303630.

ClinVar aggregate classification (germline): Uncertain significance (1 of 4 stars; one submission).

Allele frequency attached by ClinVar (database versions not stated): TOPMed below 0.00001; gnomAD 0.00001; gnomAD exomes 0.00001; ExAC 0.00002.
gnomAD v4.1: 8 of 1,611,118 alleles (0.0005%); highest among the groups gnomAD compares: South Asian, 0.0011%; no homozygotes.

Submission:

Labcorp Genetics (formerly Invitae), Labcorp
Classification: Uncertain significance. Last evaluated: 2022-04-25. Review status: criteria provided, single submitter. Criteria: Invitae Variant Classification Sherloc (09022015). Collection method: clinical testing. Allele origin: germline.
Comment: In summary, the available evidence is currently insufficient to determine the role of this variant in disease. Therefore, it has been classified as a Variant of Uncertain Significance. Algorithms developed to predict the effect of missense changes on protein structure and function are either unavailable or do not agree on the potential impact of this missense change (SIFT: "Deleterious"; PolyPhen-2: "Probably Damaging"; Align-GVGD: "Class C0"). This variant has not been reported in the literature in individuals affected with KMT2A-related conditions. This variant is present in population databases (rs782157422, gnomAD 0.003%). This sequence change replaces glutamic acid, which is acidic and polar, with aspartic acid, which is acidic and polar, at codon 1060 of the KMT2A protein (p.Glu1060Asp).